The following is an entry in ClinVar:

NM_001429.4(EP300):c.2565A>G (p.Pro855=)

Gene: EP300 (EP300 lysine acetyltransferase; plus strand). Cytogenetic location: 22q13.2.
Variant type: single nucleotide variant.
Coding change: c.2565A>G on transcript NM_001429.4 (MANE Select); coding-DNA position 2565, A replaced by G.
Protein change: p.Pro855=; no amino-acid change (proline 855 retained).
Molecular consequence: synonymous variant.
Genome position (GRCh38, 1-based): chr22:41,149,946, A>G. VCF-style: chr22-41149946-A-G. GRCh37 (hg19) VCF-style: chr22-41545950-A-G.
Other names: c.2487A>G, p.Pro829= (NM_001362843.2).
Identifiers: ClinVar variation 3046479 (VCV003046479.3), dbSNP rs2517797956, ClinGen allele CA514793237.

ClinVar aggregate classification (germline): Likely benign. Review status: criteria provided, single submitter (1 of 4 stars). 2 submissions from 2 submitters: Likely benign (1). 1 of the submissions does not count toward it. Last evaluated 2020-03-16.

Conditions:
EP300-related disorder. Also called: EP300-related condition; EP300-related disorders.

Allele frequency attached by ClinVar (database versions not stated): gnomAD exomes below 0.00001.
gnomAD v4.1: 2 of 1,612,530 alleles (0.00012%); highest among the groups gnomAD compares: Non-Finnish European, 0.000085%; no homozygotes.

Submissions (2):

Blueprint Genetics
Classification: Likely benign. Last evaluated: 2020-03-16. Review status: criteria provided, single submitter. Criteria: ACMG Guidelines, 2015. Collection method: clinical testing. Allele origin: germline.

PreventionGenetics, part of Exact Sciences
Classification: Likely benign for EP300-related condition. Last evaluated: 2023-12-14. Review status: no assertion criteria provided. Collection method: clinical testing. Allele origin: germline. Not counted in ClinVar's aggregate classification.
Comment: This variant is classified as likely benign based on ACMG/AMP sequence variant interpretation guidelines (Richards et al. 2015 PMID: 25741868, with internal and published modifications).